The following is an entry in ClinVar:

ClinVar aggregate classification (germline): conflicting data from submitters (0 of 4 stars; one submission).

Submission:

ISCA site 1
Classification: conflicting data from submitters. Last evaluated: 2015-06-22. Review status: no assertion criteria provided. Collection method: clinical testing. Allele origin: unknown, paternal. Affected: yes. Observed: 4 variant alleles. Clinical features observed: Scoliosis (HP:0002650), Attention deficit hyperactivity disorder (HP:0007018), Delayed speech and language development (HP:0000750), Torsion dystonia (HP:0001304), Cryptorchidism (HP:0000028), Hearing impairment (HP:0000365), Abnormality of the ear (HP:0000598), Aggressive behavior (HP:0000718), Multiple lentigines (HP:0001003), Muscular hypotonia (HP:0001252), Intrauterine growth retardation (HP:0001511), Tetralogy of Fallot (HP:0001636), and 9 more.
Comment: Uncertain significance(3), Likely benign (1)

Copy number variation identified through the course of routine clinical cytogenomic testing in postnatal populations, with clinical assertions as classified by the original submitter. For data from the original published study, Kaminsky, et al. 2011 (PubMed 21844811), please see nstd101.

GRCh37/hg19 2p11.2(chr2:86285942-86516984)x3

Genes: IMMT (inner membrane mitochondrial protein; minus strand), MRPL35 (mitochondrial ribosomal protein L35; plus strand), POLR1A (RNA polymerase I subunit A; minus strand), PTCD3 (pentatricopeptide repeat domain 3; plus strand), REEP1 (receptor accessory protein 1; minus strand). Cytogenetic location: 2p11.2.
Variant type: copy number gain.
Change: copy number 3 (three copies instead of two) of chr2:86,285,942-86,516,984 (231.0 kb, GRCh37 coordinates, 1-based), cytogenetic band 2p11.2.
Identifiers: ClinVar variation 441798 (VCV000441798.2).